The following is an entry in ClinVar:

NM_000094.4(COL7A1):c.7164+1G>A

Gene: COL7A1 (collagen type VII alpha 1 chain; minus strand). Cytogenetic location: 3p21.31.
Variant type: single nucleotide variant.
Coding change: c.7164+1G>A on transcript NM_000094.4 (MANE Select); the canonical splice donor site of the intron after coding-DNA position 7164, G replaced by A.
Molecular consequence: splice donor variant.
Genome position (GRCh38, 1-based): chr3:48,571,100, C>T on the plus strand (G>A on the coding strand, the complement: COL7A1 is on the minus strand). VCF-style: chr3-48571100-C-T. GRCh37 (hg19) VCF-style: chr3-48608533-C-T.
Identifiers: ClinVar variation 2770981 (VCV002770981.3), dbSNP rs2530875347, ClinGen allele CA352650827.

ClinVar aggregate classification (germline): Pathogenic (1 of 4 stars; one submission).

gnomAD v4.1: 1 of 1,613,938 alleles (0.000062%); no homozygotes.

Submission:

Labcorp Genetics (formerly Invitae), Labcorp
Classification: Pathogenic. Last evaluated: 2023-10-22. Review status: criteria provided, single submitter. Criteria: Invitae Variant Classification Sherloc (09022015). Collection method: clinical testing. Allele origin: germline.
Comment: This sequence change affects a donor splice site in intron 93 of the COL7A1 gene. It is expected to disrupt splicing. Variants that disrupt the donor or acceptor splice site typically lead to a loss of protein function (PMID: 16199547), and loss-of-function variants in COL7A1 are known to be disease-causing for autosomal recessive dystrophic epidermolysis bullosa (PMID: 16971478). However, certain variants affecting donor or acceptor splice sites in the triple helical domain of COL7A1 are expected to result in in-frame exon skipping and have been reported to cause autosomal dominant dystrophic epidermolysis bullosa (PMID: 31670143). This variant is not present in population databases (gnomAD no frequency). Disruption of this splice site has been observed in individual(s) with autosomal recessive dystrophic epidermolysis bullosa (PMID: 36287101). Algorithms developed to predict the effect of sequence changes on RNA splicing suggest that this variant may disrupt the consensus splice site. For these reasons, this variant has been classified as Pathogenic.

Literature cited by the submitters: PubMed 16199547; PubMed 16971478; PubMed 31670143; PubMed 36287101.